The following is an entry in ClinVar:

ClinVar aggregate classification (germline): Uncertain significance. Review status: criteria provided, multiple submitters, no conflicts (2 of 4 stars). 2 submissions from 2 submitters: Uncertain significance (2). Last evaluated 2024-05-15.

Conditions:
Gastrointestinal stromal tumor. Also called: Gastrointestinal stromal tumor, somatic; Gastrointestinal stroma tumor. Identifiers: Orphanet 44890, MedGen C0238198, MeSH D046152, MONDO:0011719, OMIM 606764, HP:0100723.
Pheochromocytoma. Also called: MAX-Related Hereditary Paraganglioma-Pheochromocytoma Syndrome. Identifiers: Orphanet 29072, MedGen C0031511, MONDO:0008233, OMIM 171300, HP:0002666.
Pheochromocytoma/paraganglioma syndrome 4. Also called: SDHB-Related Hereditary Paraganglioma-Pheochromocytoma Syndrome; PARAGANGLIOMA, FAMILIAL MALIGNANT; PARAGANGLIOMAS, HEREDITARY EXTRAADRENAL; PHEOCHROMOCYTOMA, FAMILIAL EXTRAADRENAL; Paragangliomas 4; CAROTID BODY TUMORS AND MULTIPLE EXTRAADRENAL PHEOCHROMOCYTOMAS. Identifiers: Orphanet 29072, MedGen C1861848, MONDO:0007273, OMIM 115310.

Allele frequency attached by ClinVar (database versions not stated): gnomAD exomes below 0.00001.
gnomAD v4.1: 4 of 1,613,800 alleles (0.00025%); highest among the groups gnomAD compares: Non-Finnish European, 0.00034%; no homozygotes.

Submissions (2):

Labcorp Genetics (formerly Invitae), Labcorp
Classification: Uncertain significance for Gastrointestinal stromal tumor; Pheochromocytoma/paraganglioma syndrome 4; Pheochromocytoma. Last evaluated: 2024-05-15. Review status: criteria provided, single submitter. Criteria: Invitae Variant Classification Sherloc (09022015). Collection method: clinical testing. Allele origin: germline.
Comment: This sequence change replaces aspartic acid, which is acidic and polar, with asparagine, which is neutral and polar, at codon 161 of the SDHB protein (p.Asp161Asn). This variant is present in population databases (no rsID available, gnomAD 0.0009%). This variant has not been reported in the literature in individuals affected with SDHB-related conditions. ClinVar contains an entry for this variant (Variation ID: 528726). Advanced modeling of protein sequence and biophysical properties (such as structural, functional, and spatial information, amino acid conservation, physicochemical variation, residue mobility, and thermodynamic stability) performed at Invitae indicates that this missense variant is not expected to disrupt SDHB protein function with a negative predictive value of 80%. In summary, the available evidence is currently insufficient to determine the role of this variant in disease. Therefore, it has been classified as a Variant of Uncertain Significance.

Baylor Genetics
Classification: Uncertain significance for Gastrointestinal stromal tumor. Last evaluated: 2023-07-11. Review status: criteria provided, single submitter. Criteria: ACMG Guidelines, 2015. Collection method: clinical testing. Allele origin: unknown.

NM_003000.3(SDHB):c.481G>A (p.Asp161Asn)

Gene: SDHB (succinate dehydrogenase complex iron sulfur subunit B; minus strand). Cytogenetic location: 1p36.13.
Variant type: single nucleotide variant.
Coding change: c.481G>A on transcript NM_003000.3 (MANE Select); coding-DNA position 481, G replaced by A.
Protein change: p.Asp161Asn; replaces aspartic acid 161 with asparagine.
Molecular consequence: missense variant.
Genome position (GRCh38, 1-based): chr1:17,027,808, C>T on the plus strand (G>A on the coding strand, the complement: SDHB is on the minus strand). VCF-style: chr1-17027808-C-T. GRCh37 (hg19) VCF-style: chr1-17354303-C-T.
Other names: short protein forms D161N.
Identifiers: ClinVar variation 528726 (VCV000528726.7), dbSNP rs1553177682, ClinGen allele CA338272813.
Genomic context (GRCh38, chr1:17,027,808, plus strand): 5'-CCAGTTTCTCACGCTCTTCTATGGACTGCAGATACTGCTGCTTGCCTTCCTGAGATTCAT[C>T]CTTCTTCTTCAAATAAGGCTCAATGGATTTGTACTGTGCATAGAAGTTGCTCAAATCCTG-3'
Protein context (NP_002991.2, residues 151-171): KSIEPYLKKK[Asp161Asn]ESQEGKQQYL